The following is an entry in ClinVar:

ClinVar aggregate classification (germline): Uncertain significance (1 of 4 stars; one submission).

Submission:

GeneDx
Classification: Uncertain significance. Last evaluated: 2022-01-19. Review status: criteria provided, single submitter. Criteria: GeneDx Variant Classification Process June 2021. Collection method: clinical testing. Allele origin: germline. Affected: yes.
Comment: Not observed at significant frequency in large population cohorts (gnomAD); Has not been previously published as pathogenic or benign to our knowledge; In-silico analysis is inconclusive as to whether the variant alters gene splicing. In the absence of RNA/functional studies, the actual effect of this sequence change is unknown.

NM_001165963.4(SCN1A):c.4582-3C>A

Genes: SCN1A (sodium voltage-gated channel alpha subunit 1; minus strand), LOC102724058 (uncharacterized LOC102724058; plus strand). Cytogenetic location: 2q24.3.
Variant type: single nucleotide variant.
Coding change: c.4582-3C>A on transcript NM_001165963.4 (MANE Select); 3 bases into the intron before coding-DNA position 4582, C replaced by A.
Molecular consequence: intron variant.
Genome position (GRCh38, 1-based): chr2:165,994,419, G>T on the plus strand (C>A on the coding strand, the complement: SCN1A is on the minus strand). VCF-style: chr2-165994419-G-T. GRCh37 (hg19) VCF-style: chr2-166850929-G-T.
Other names: c.4549-3C>A (NM_001353949.2, NM_001353950.2, NM_001353951.2 and 2 more transcripts); c.4498-3C>A (NM_001353958.2, NM_001353957.2, NM_001165964.3); c.4582-3C>A (NM_001202435.3, NM_001353948.2); c.4546-3C>A (NM_001353955.2, NM_001353954.2); c.4495-3C>A (NM_001353960.2); c.2140-3C>A (NM_001353961.2).
Identifiers: ClinVar variation 1698062 (VCV001698062.2), dbSNP rs747649993, ClinGen allele CA2580064378.